The following is an entry in ClinVar:

ClinVar aggregate classification (germline): Uncertain significance (1 of 4 stars; one submission).

gnomAD v4.1: 34 of 1,606,152 alleles (0.0021%); highest among the groups gnomAD compares: Non-Finnish European, 0.0027%; no homozygotes.

Submission:

Labcorp Genetics (formerly Invitae), Labcorp
Classification: Uncertain significance. Last evaluated: 2024-07-30. Review status: criteria provided, single submitter. Criteria: Invitae Variant Classification Sherloc (09022015). Collection method: clinical testing. Allele origin: germline.
Comment: This sequence change replaces alanine, which is neutral and non-polar, with threonine, which is neutral and polar, at codon 109 of the SLC25A21 protein (p.Ala109Thr). The frequency data for this variant in the population databases is considered unreliable, as metrics indicate poor data quality at this position in the gnomAD database. This variant has not been reported in the literature in individuals affected with SLC25A21-related conditions. Advanced modeling of protein sequence and biophysical properties (such as structural, functional, and spatial information, amino acid conservation, physicochemical variation, residue mobility, and thermodynamic stability) performed at Invitae indicates that this missense variant is not expected to disrupt SLC25A21 protein function with a negative predictive value of 80%. In summary, the available evidence is currently insufficient to determine the role of this variant in disease. Therefore, it has been classified as a Variant of Uncertain Significance.

NM_030631.4(SLC25A21):c.325G>A (p.Ala109Thr)

Gene: SLC25A21 (solute carrier family 25 member 21; minus strand). Cytogenetic location: 14q13.3.
Variant type: single nucleotide variant.
Coding change: c.325G>A on transcript NM_030631.4 (MANE Select); coding-DNA position 325, G replaced by A.
Protein change: p.Ala109Thr; replaces alanine 109 with threonine.
Molecular consequence: missense variant.
Genome position (GRCh38, 1-based): chr14:36,729,512, C>T on the plus strand (G>A on the coding strand, the complement: SLC25A21 is on the minus strand). VCF-style: chr14-36729512-C-T. GRCh37 (hg19) VCF-style: chr14-37198717-C-T.
Other names: c.325G>A, p.Ala109Thr (NM_001171170.2); short protein forms A109T.
Identifiers: ClinVar variation 3693973 (VCV003693973.2).